The following is an entry in ClinVar:

NM_001374736.1(DST):c.3389G>A (p.Arg1130His)

Gene: DST (dystonin; minus strand). Cytogenetic location: 6p12.1.
Variant type: single nucleotide variant.
Coding change: c.3389G>A on transcript NM_001374736.1 (MANE Select); coding-DNA position 3389, G replaced by A.
Protein change: p.Arg1130His; replaces arginine 1130 with histidine.
Molecular consequence: missense variant.
Genome position (GRCh38, 1-based): chr6:56,634,567, C>T on the plus strand (G>A on the coding strand, the complement: DST is on the minus strand). VCF-style: chr6-56634567-C-T. GRCh37 (hg19) VCF-style: chr6-56499365-C-T.
Other names: c.3290G>A, p.Arg1097His (NM_001144769.5); c.2876G>A, p.Arg959His (NM_001144770.2); c.3389G>A, p.Arg1130His (NM_001374722.1); c.2756G>A, p.Arg919His (NM_001374729.1, NM_001374730.1, NM_001386100.1 and 1 more transcripts); c.3416G>A, p.Arg1139His (NM_001374734.1); c.1778G>A, p.Arg593His (NM_001723.7, NM_015548.5); short protein forms R1097H, R1130H, R1139H, R593H, R919H, R959H.
Identifiers: ClinVar variation 1056653 (VCV001056653.9), dbSNP rs144326157, ClinGen allele CA3871167.

ClinVar aggregate classification (germline): Uncertain significance (1 of 4 stars; one submission).

Conditions:
Epidermolysis bullosa simplex 3, localized or generalized intermediate, with BP230 deficiency (EBS3). Also called: Epidermolysis bullosa simplex due to BP230 deficiency; Epidermolysis bullosa simplex, autosomal recessive 2. Identifiers: Orphanet 412181, MedGen C3809470, MONDO:0014180, OMIM 615425.
Hereditary sensory and autonomic neuropathy type 6. Also called: HSAN VI; Neuropathy, hereditary sensory and autonomic, type VI. Identifiers: Orphanet 314381, MedGen C3539003, MONDO:0013839, OMIM 614653.

Allele frequency attached by ClinVar (database versions not stated): gnomAD exomes below 0.00001 and 0.00001; TOPMed below 0.00001; ExAC 0.00001; gnomAD 0.00001; 1000 Genomes Project 0.00020.
gnomAD v4.1: 10 of 1,613,998 alleles (0.00062%); highest among the groups gnomAD compares: Middle Eastern, 0.016%; no homozygotes.

Submission:

Labcorp Genetics (formerly Invitae), Labcorp
Classification: Uncertain significance for Epidermolysis bullosa simplex 3, localized or generalized intermediate, with BP230 deficiency; Hereditary sensory and autonomic neuropathy type 6. Last evaluated: 2020-02-04. Review status: criteria provided, single submitter. Criteria: Invitae Variant Classification Sherloc (09022015). Collection method: clinical testing. Allele origin: germline.
Comment: In summary, the available evidence is currently insufficient to determine the role of this variant in disease. Therefore, it has been classified as a Variant of Uncertain Significance. Algorithms developed to predict the effect of missense changes on protein structure and function (SIFT, PolyPhen-2, Align-GVGD) all suggest that this variant is likely to be disruptive, but these predictions have not been confirmed by published functional studies and their clinical significance is uncertain. This variant has not been reported in the literature in individuals with DST-related conditions. This variant is present in population databases (rs144326157, ExAC 0.009%). This sequence change replaces arginine with histidine at codon 593 of the DST protein (p.Arg593His). The arginine residue is highly conserved and there is a small physicochemical difference between arginine and histidine.